The following is an entry in ClinVar:

ClinVar aggregate classification (germline): Uncertain significance (1 of 4 stars; one submission).

gnomAD v4.1: 26 of 1,602,154 alleles (0.0016%); highest among the groups gnomAD compares: Non-Finnish European, 0.0022%; no homozygotes.

Submission:

Ambry Genetics
Classification: Uncertain significance. Last evaluated: 2024-12-31. Review status: criteria provided, single submitter. Criteria: Ambry Variant Classification Scheme 2023. Collection method: clinical testing. Allele origin: germline.
Comment: The p.E1461Q variant (also known as c.4381G>C), located in coding exon 19 of the WNK2 gene, results from a G to C substitution at nucleotide position 4381. The glutamic acid at codon 1461 is replaced by glutamine, an amino acid with highly similar properties. This amino acid position is conserved. In addition, this alteration is predicted to be tolerated by in silico analysis. Based on the available evidence, the clinical significance of this variant remains unclear.

NM_006648.4(WNK2):c.4381G>C (p.Glu1461Gln)

Gene: WNK2 (WNK lysine deficient protein kinase 2; plus strand). Cytogenetic location: 9q22.31.
Variant type: single nucleotide variant.
Coding change: c.4381G>C on transcript NM_006648.4 (MANE Select); coding-DNA position 4381, G replaced by C.
Protein change: p.Glu1461Gln; replaces glutamic acid 1461 with glutamine.
Molecular consequence: missense variant.
Genome position (GRCh38, 1-based): chr9:93,289,135, G>C. VCF-style: chr9-93289135-G-C. GRCh37 (hg19) VCF-style: chr9-96051417-G-C.
Other names: c.4492G>C, p.Glu1498Gln (NM_001282394.3); short protein forms E1461Q, E1498Q.
Identifiers: ClinVar variation 3816681 (VCV003816681.1).
Genomic context (GRCh38, chr9:93,289,135, plus strand): 5'-GAGGCCCCGCTTGCTGTGCAGCCCCTCGTGGTGGGCCTAGCACCTTGCACTCCAGCTCCA[G>C]AGGCTGCCTCAACCAGGGACGCCAGTGCCCCAAGGGAGCCCCTGCCACCTCCTGCACCTG-3'
Protein context (NP_006639.3, residues 1451-1471): VGLAPCTPAP[Glu1461Gln]AASTRDASAP